The following is an entry in ClinVar:

ClinVar aggregate classification (germline): Uncertain significance (1 of 4 stars; one submission).

Submission:

Ambry Genetics
Classification: Uncertain significance. Last evaluated: 2023-02-23. Review status: criteria provided, single submitter. Criteria: Ambry Variant Classification Scheme 2023. Collection method: clinical testing. Allele origin: germline.
Comment: The p.Q260K variant (also known as c.778C>A), located in coding exon 6 of the POLQ gene, results from a C to A substitution at nucleotide position 778. The glutamine at codon 260 is replaced by lysine, an amino acid with similar properties. This amino acid position is conserved. In addition, the in silico prediction for this alteration is inconclusive. Since supporting evidence is limited at this time, the clinical significance of this alteration remains unclear.

NM_199420.4(POLQ):c.778C>A (p.Gln260Lys)

Gene: POLQ (DNA polymerase theta; minus strand). Cytogenetic location: 3q13.33.
Variant type: single nucleotide variant.
Coding change: c.778C>A on transcript NM_199420.4 (MANE Select); coding-DNA position 778, C replaced by A.
Protein change: p.Gln260Lys; replaces glutamine 260 with lysine.
Molecular consequence: missense variant.
Genome position (GRCh38, 1-based): chr3:121,533,172, G>T on the plus strand (C>A on the coding strand, the complement: POLQ is on the minus strand). VCF-style: chr3-121533172-G-T. GRCh37 (hg19) VCF-style: chr3-121252019-G-T.
Other names: short protein forms Q260K.
Identifiers: ClinVar variation 2449024 (VCV002449024.2), dbSNP rs2546819769, ClinGen allele CA354126716.